The following is an entry in ClinVar:

ClinVar aggregate classification (germline): Uncertain significance (1 of 4 stars; one submission).

Conditions:
Methylmalonic acidemia with homocystinuria, type cblX (MAHCX). Also called: INTELLECTUAL DEVELOPMENTAL DISORDER, X-LINKED 3. Identifiers: Orphanet 369962, MedGen C0796208, MONDO:0010657, OMIM 309541.

Submission:

Labcorp Genetics (formerly Invitae), Labcorp
Classification: Uncertain significance for Methylmalonic acidemia with homocystinuria, type cblX. Last evaluated: 2023-11-06. Review status: criteria provided, single submitter. Criteria: Invitae Variant Classification Sherloc (09022015). Collection method: clinical testing. Allele origin: germline.
Comment: This sequence change replaces glycine, which is neutral and non-polar, with aspartic acid, which is acidic and polar, at codon 27 of the HCFC1 protein (p.Gly27Asp). This variant is not present in population databases (gnomAD no frequency). This variant has not been reported in the literature in individuals affected with HCFC1-related conditions. Advanced modeling of protein sequence and biophysical properties (such as structural, functional, and spatial information, amino acid conservation, physicochemical variation, residue mobility, and thermodynamic stability) performed at Invitae indicates that this missense variant is expected to disrupt HCFC1 protein function with a positive predictive value of 80%. In summary, the available evidence is currently insufficient to determine the role of this variant in disease. Therefore, it has been classified as a Variant of Uncertain Significance.

NM_005334.3(HCFC1):c.80G>A (p.Gly27Asp)

Gene: HCFC1 (host cell factor C1; minus strand). Cytogenetic location: Xq28.
Variant type: single nucleotide variant.
Coding change: c.80G>A on transcript NM_005334.3 (MANE Select); coding-DNA position 80, G replaced by A.
Protein change: p.Gly27Asp; replaces glycine 27 with aspartic acid.
Molecular consequence: missense variant.
Genome position (GRCh38, 1-based): chrX:153,970,761, C>T on the plus strand (G>A on the coding strand, the complement: HCFC1 is on the minus strand). VCF-style: chrX-153970761-C-T. GRCh37 (hg19) VCF-style: chrX-153236212-C-T.
Other names: c.80G>A, p.Gly27Asp (NM_001410705.1); short protein forms G27D.
Identifiers: ClinVar variation 2693864 (VCV002693864.3), dbSNP rs2521819991, ClinGen allele CA415156737.